The following is an entry in ClinVar:

NM_001370259.2(MEN1):c.1388A>G (p.Glu463Gly)

Gene: MEN1 (menin 1; minus strand). Cytogenetic location: 11q13.1.
Variant type: single nucleotide variant.
Coding change: c.1388A>G on transcript NM_001370259.2 (MANE Select); coding-DNA position 1388, A replaced by G.
Protein change: p.Glu463Gly; replaces glutamic acid 463 with glycine.
Molecular consequence: missense variant. On other transcripts: non-coding transcript variant (4).
Genome position (GRCh38, 1-based): chr11:64,804,779, T>C on the plus strand (A>G on the coding strand, the complement: MEN1 is on the minus strand). VCF-style: chr11-64804779-T-C. GRCh37 (hg19) VCF-style: chr11-64572251-T-C.
Other names: c.1403A>G, p.Glu468Gly (NM_000244.4, NM_001407145.1, NM_130800.3 and 4 more transcripts); c.1514A>G, p.Glu505Gly (NM_001370251.2, NM_001407142.1, NM_001407143.1 and 1 more transcripts); c.1388A>G, p.Glu463Gly (NM_001370260.2, NM_001370261.2, NM_001407146.1 and 2 more transcripts); c.1283A>G, p.Glu428Gly (NM_001370262.2, NM_001370263.2, NM_001407148.1 and 1 more transcripts); c.1529A>G, p.Glu510Gly (NM_001407150.1); c.1409A>G, p.Glu470Gly (NM_001407151.1); c.1223A>G, p.Glu408Gly (NM_001407152.1); short protein forms E468G, E505G, E408G, E428G, E470G, E463G, E510G.
Identifiers: ClinVar variation 5024289 (VCV005024289.1).

ClinVar aggregate classification (germline): Uncertain significance (1 of 4 stars; one submission).

Conditions:
Hereditary cancer-predisposing syndrome. Also called: Neoplastic Syndromes, Hereditary; Tumor predisposition; Hereditary neoplastic syndrome; Hereditary Cancer Syndrome. Identifiers: Orphanet 140162, MedGen C0027672, MeSH D009386, MONDO:0015356.

Submission:

Ambry Genetics
Classification: Uncertain significance for Hereditary cancer-predisposing syndrome. Last evaluated: 2026-07-07. Review status: criteria provided, single submitter. Criteria: Ambry Variant Classification Scheme 2023. Collection method: clinical testing. Allele origin: germline.
Comment: The p.E463G variant (also known as c.1388A>G), located in coding exon 9 of the MEN1 gene, results from an A to G substitution at nucleotide position 1388. The glutamic acid at codon 463 is replaced by glycine, an amino acid with similar properties. This amino acid position is conserved. In addition, the in silico prediction for this alteration is inconclusive. Based on the available evidence, the clinical significance of this variant remains unclear.